The following is an entry in ClinVar:

NM_000282.4(PCCA):c.1065+5C>T

Gene: PCCA (propionyl-CoA carboxylase subunit alpha; plus strand). Cytogenetic location: 13q32.3.
Variant type: single nucleotide variant.
Coding change: c.1065+5C>T on transcript NM_000282.4 (MANE Select); 5 bases into the intron after coding-DNA position 1065, C replaced by T.
Molecular consequence: intron variant.
Genome position (GRCh38, 1-based): chr13:100,273,351, C>T. VCF-style: chr13-100273351-C-T. GRCh37 (hg19) VCF-style: chr13-100925605-C-T.
Other names: c.1065+5C>T (NM_001178004.2, NM_001352605.2, NM_001352606.2 and 1 more transcripts); c.120+5C>T (NM_001352610.2, NM_001352611.2, NM_001352612.2); c.987+5C>T (NM_001127692.3, NM_001352607.2, NM_001352608.2).
Identifiers: ClinVar variation 511808 (VCV000511808.56), dbSNP rs201597816, ClinGen allele CA7033480.

ClinVar aggregate classification (germline): Conflicting classifications of pathogenicity. Review status: criteria provided, conflicting classifications (1 of 4 stars). 10 submissions from 10 submitters: Uncertain significance (3); Likely benign (3). 4 of the submissions do not count toward it. Last evaluated 2025-06-05.

Conditions:
PCCA-related disorder. Also called: PCCA-related condition.
Propionic acidemia (PROP). Also called: GLYCINEMIA, KETOTIC; HYPERGLYCINEMIA WITH KETOACIDOSIS AND LEUKOPENIA; KETOTIC HYPERGLYCINEMIA. Identifiers: Orphanet 35, MedGen C0268579, MONDO:0011628, OMIM 606054, HP:0003571.

Allele frequency attached by ClinVar (database versions not stated): 1000 Genomes Project 30x 0.00031; 1000 Genomes Project 0.00040; ESP Exome Variant Server 0.00069; TOPMed 0.00075; gnomAD 0.00083 and 0.00085.
gnomAD v4.1: 1,696 of 1,608,656 alleles (0.11%); highest among the groups gnomAD compares: Middle Eastern, 0.2%; 2 homozygotes.

Submissions (10):

Mayo Clinic Laboratories, Mayo Clinic
Classification: Likely benign. Last evaluated: 2025-06-05. Review status: criteria provided, single submitter. Criteria: ACMG Guidelines, 2015. Collection method: clinical testing. Allele origin: germline. Observed: 3 variant alleles.
Comment: BS1, BP4, BP7

Blueprint Genetics
Classification: Likely benign. Last evaluated: 2024-11-26. Review status: criteria provided, single submitter. Criteria: ACMG Guidelines, 2015. Collection method: clinical testing. Allele origin: germline.

ARUP Laboratories, Molecular Genetics and Genomics, ARUP Laboratories
Classification: Uncertain significance for Propionic acidemia. Last evaluated: 2023-08-10. Review status: criteria provided, single submitter. Criteria: ARUP Molecular Germline Variant Investigation Process 2024. Collection method: clinical testing. Allele origin: germline.
Comment: The PCCA c.1065+5C>T variant (rs201597816), to our knowledge, is not reported in the medical literature but is reported in ClinVar (Variation ID: 511808). This variant is found in the general population with an overall allele frequency of 0.079% (223/282,514 alleles) in the Genome Aggregation Database. This is an intronic variant in a weakly conserved nucleotide, and computational analyses (Alamut Visual Plus v.1.5.1) predict that this variant does not alter splicing. However, given the lack of clinical and functional data, the significance of this variant is uncertain at this time.

Labcorp Genetics (formerly Invitae), Labcorp
Classification: Uncertain significance for Propionic acidemia. Last evaluated: 2022-11-01. Review status: criteria provided, single submitter. Criteria: Invitae Variant Classification Sherloc (09022015). Collection method: clinical testing. Allele origin: germline.
Comment: This sequence change falls in intron 12 of the PCCA gene. It does not directly change the encoded amino acid sequence of the PCCA protein. It affects a nucleotide within the consensus splice site. This variant is present in population databases (rs201597816, gnomAD 0.1%), and has an allele count higher than expected for a pathogenic variant. This variant has not been reported in the literature in individuals affected with PCCA-related conditions. ClinVar contains an entry for this variant (Variation ID: 511808). Variants that disrupt the consensus splice site are a relatively common cause of aberrant splicing (PMID: 17576681, 9536098). Algorithms developed to predict the effect of sequence changes on RNA splicing suggest that this variant is not likely to affect RNA splicing. In summary, the available evidence is currently insufficient to determine the role of this variant in disease. Therefore, it has been classified as a Variant of Uncertain Significance.

GeneDx
Classification: Likely benign. Last evaluated: 2020-01-10. Review status: criteria provided, single submitter. Criteria: GeneDx Variant Classification Process June 2021. Collection method: clinical testing. Allele origin: germline. Affected: yes.

Illumina Laboratory Services, Illumina
Classification: Uncertain significance for Propionic acidemia. Last evaluated: 2018-01-12. Review status: criteria provided, single submitter. Criteria: ICSL Variant Classification Criteria 13 December 2019. Collection method: clinical testing. Allele origin: germline.

PreventionGenetics, part of Exact Sciences
Classification: Likely benign for PCCA-related condition. Last evaluated: 2023-12-04. Review status: no assertion criteria provided. Collection method: clinical testing. Allele origin: germline. Not counted in ClinVar's aggregate classification.
Comment: This variant is classified as likely benign based on ACMG/AMP sequence variant interpretation guidelines (Richards et al. 2015 PMID: 25741868, with internal and published modifications).

Clinical Genetics DNA and cytogenetics Diagnostics Lab, Erasmus MC, Erasmus Medical Center
Classification: Likely benign. Review status: no assertion criteria provided. Collection method: clinical testing. Allele origin: germline. Affected: yes. Study: VKGL Data-share Consensus. Not counted in ClinVar's aggregate classification.

Diagnostic Laboratory, Department of Genetics, University Medical Center Groningen
Classification: Likely benign. Review status: no assertion criteria provided. Collection method: clinical testing. Allele origin: germline. Affected: yes. Study: VKGL Data-share Consensus. Not counted in ClinVar's aggregate classification.

Genome Diagnostics Laboratory, University Medical Center Utrecht
Classification: Likely benign. Review status: no assertion criteria provided. Collection method: clinical testing. Allele origin: germline. Affected: yes. Study: VKGL Data-share Consensus. Not counted in ClinVar's aggregate classification.

Literature cited by the submitters: PubMed 17576681 (cited by Labcorp Genetics (formerly Invitae), Labcorp); PubMed 9536098 (cited by Labcorp Genetics (formerly Invitae), Labcorp).